The following is an entry in ClinVar:

NM_004656.4(BAP1):c.669C>A (p.Tyr223Ter)

Gene: BAP1 (BRCA1 associated deubiquitinase 1; minus strand). Cytogenetic location: 3p21.1.
Variant type: single nucleotide variant.
Coding change: c.669C>A on transcript NM_004656.4 (MANE Select); coding-DNA position 669, C replaced by A.
Protein change: p.Tyr223Ter; replaces tyrosine 223 with a stop codon.
Molecular consequence: nonsense.
Genome position (GRCh38, 1-based): chr3:52,406,367, G>T on the plus strand (C>A on the coding strand, the complement: BAP1 is on the minus strand). VCF-style: chr3-52406367-G-T. GRCh37 (hg19) VCF-style: chr3-52440383-G-T.
Other names: short protein forms Y223*.
Identifiers: ClinVar variation 1071927 (VCV001071927.5), dbSNP rs2153227498, ClinGen allele CA353107595.

ClinVar aggregate classification (germline): Pathogenic (1 of 4 stars; one submission).

Conditions:
BAP1-related tumor predisposition syndrome (TPDS1). Also called: Tumor susceptibility linked to germline BAP1 mutations; BAP1 tumor predisposition syndrome; COMMON Syndrome; TUMOR PREDISPOSITION SYNDROME 1. Identifiers: Orphanet 289539, MedGen C3280492, MONDO:0013692, OMIM 614327.

Submission:

Labcorp Genetics (formerly Invitae), Labcorp
Classification: Pathogenic for BAP1-related tumor predisposition syndrome. Last evaluated: 2024-04-16. Review status: criteria provided, single submitter. Criteria: Invitae Variant Classification Sherloc (09022015). Collection method: clinical testing. Allele origin: germline.
Comment: This sequence change creates a premature translational stop signal (p.Tyr223*) in the BAP1 gene. It is expected to result in an absent or disrupted protein product. Loss-of-function variants in BAP1 are known to be pathogenic (PMID: 21874000, 23684012). This variant is not present in population databases (gnomAD no frequency). This variant has not been reported in the literature in individuals affected with BAP1-related conditions. ClinVar contains an entry for this variant (Variation ID: 1071927). Algorithms developed to predict the effect of sequence changes on RNA splicing suggest that this variant may create or strengthen a splice site. For these reasons, this variant has been classified as Pathogenic.

Literature cited by the submitters: PubMed 21874000; PubMed 23684012.